The following continues an entry in ClinVar:

NM_004004.6(GJB2):c.596C>T (p.Ser199Phe)

Gene: GJB2. ClinVar aggregate classification (germline): Pathogenic. Pathogenic (11).

Submissions 9 to 14 of 14:

Women's Health and Genetics/Laboratory Corporation of America, LabCorp
Classification: Pathogenic for Deafness, autosomal recessive 1A. Last evaluated: 2017-09-11. Review status: criteria provided, single submitter. Criteria: LabCorp Variant Classification Summary - May 2015. Collection method: clinical testing. Allele origin: germline.
Comment: Variant summary: The GJB2 c.596C>T (p.Ser199Phe) variant involves the alteration of a conserved nucleotide and Ser199 is located in cytoplasmic region (UniProt). 5/5 in silico tools predict damaging outcome for this variant. This variant was found in 1/120100 control chromosomes from ExAC at a frequency of 0.0000083, which does not exceed the estimated maximal expected allele frequency of a pathogenic GJB2 variant (0.0003376). This variant has been reported in several patients with non-syndromic hearing loss in homozygous as well as in compound heterozygous state with c.35delT and GJB6 deletion and was found to be the most common pathogenic variant in Columbia (Green_1999, Prasad_2000, Azaiez_2004, Snoeckx_2005, Putcha_2007, Tamayo_2009, Rodriguez-Paris_2011). Two independent functional studies showed that this variant leads to defective trafficking (Xiao_2011, Ambrosi_2013). One clinical diagnostic laboratory in ClinVar has classified this variant as likely pathogenic. Taken together, this variant is classified as pathogenic.

Laboratory for Molecular Medicine, Mass General Brigham Personalized Medicine
Classification: Pathogenic for Rare genetic deafness. Last evaluated: 2016-09-15. Review status: criteria provided, single submitter. Criteria: LMM Criteria. Collection method: clinical testing. Allele origin: germline. Inheritance: Autosomal recessive inheritance. Observed: 1 variant allele.
Comment: The p.Ser199Phe variant in GJB2 is a common pathogenic variant in the Colombian population, where it has been reported in the homozygous state in 11 individuals with hearing loss (Tamayo 2009). It has also been reported in >15 additional in dividuals with hearing loss who carried a second pathogenic GJB2 variant affecti ng the other allele (Green 1999, Tamayo 2009, Rodriguez-Paris 2011). In vitro fu nctional studies provide some evidence that the p.Ser199Phe variant may impact p rotein function (Xiao 2011, Ambrosi 2013). However, these types of assays may no t accurately represent biological function. This variant has been identified in 1/120100 total chromosomes by the Exome Aggregation Consortium (ExAC; dbSNP rs771748289). Although this variant has been seen in the general population, its frequency is low enough to be consistent with a rec essive carrier frequency. In summary, this variant meets criteria to be classifi ed as pathogenic for hearing loss in an autosomal recessive manner.

Center for Genomics, Ann and Robert H. Lurie Children's Hospital of Chicago
Classification: Pathogenic for Palmoplantar keratoderma-deafness syndrome; Autosomal recessive nonsyndromic hearing loss 1A; Autosomal dominant nonsyndromic hearing loss 3A; Autosomal dominant keratitis-ichthyosis-hearing loss syndrome; Knuckle pads, deafness AND leukonychia syndrome; Mutilating keratoderma. Review status: criteria provided, single submitter. Criteria: ACMG Guidelines, 2015. Collection method: clinical testing. Allele origin: germline.
Comment: GJB2 NM_004004.5 exon 2 p.Ser199Phe (c.596C>T): This variant has been reported in the literature in the homozygous or compound heterozygous state in numerous individuals affected with autosomal recessive nonsyndromic hearing loss (Green 1999 PMID:10376574, Tamayo 2009 PMID:19027181, Rodriguez-Paris 2011 PMID:21738759). This variant is present in 0.006% (2/34580) of Latino alleles in the Genome Aggregation Database and is present in ClinVar (Variation ID:189183). Evolutionary conservation and computational predictive tools suggest that this variant may impact the protein. In addition, in vitro functional studies in HeLa cells transfected with S199F have shown a deleterious effect of this variant (Ambrosi 2013 PMID:23967136; Xiao 2011 PMID:20863150). However, these studies may not accurately represent in vivo biological function. In summary, this variant is classified as pathogenic based on the data above.

Counsyl
Classification: Likely pathogenic for Deafness, autosomal recessive 1A. Last evaluated: 2015-02-17. Review status: no assertion criteria provided. Collection method: literature only. Allele origin: unknown. Inheritance: Autosomal recessive inheritance. Not counted in ClinVar's aggregate classification.

Diagnostic Laboratory, Department of Genetics, University Medical Center Groningen
Classification: Pathogenic. Review status: no assertion criteria provided. Collection method: clinical testing. Allele origin: germline. Affected: yes. Study: VKGL Data-share Consensus. Not counted in ClinVar's aggregate classification.

Joint Genome Diagnostic Labs from Nijmegen and Maastricht, Radboudumc and MUMC+
Classification: Pathogenic. Review status: no assertion criteria provided. Collection method: clinical testing. Allele origin: germline. Affected: yes. Study: VKGL Data-share Consensus. Not counted in ClinVar's aggregate classification.

Literature cited by the submitters: PubMed 15365987 (cited by 4 submitters); PubMed 19027181 (cited by 5 submitters); PubMed 20863150 (cited by 4 submitters); PubMed 23967136 (cited by 5 submitters); PubMed 33297549 (cited by Natera, Inc.); PubMed 25085072 (cited by 4 submitters); PubMed 28428247 (cited by Victorian Clinical Genetics Services, Murdoch Childrens Research Institute); PubMed 12792423 (cited by Victorian Clinical Genetics Services, Murdoch Childrens Research Institute); PubMed 31160754 (cited by Victorian Clinical Genetics Services, Murdoch Childrens Research Institute); PubMed 37811145 (cited by Victorian Clinical Genetics Services, Murdoch Childrens Research Institute); PubMed 20301449 (cited by Victorian Clinical Genetics Services, Murdoch Childrens Research Institute); PubMed 10376574 (cited by 3 submitters); PubMed 17666888 (cited by Athena Diagnostics and Women's Health and Genetics/Laboratory Corporation of America, LabCorp); PubMed 16380907 (cited by Athena Diagnostics and Women's Health and Genetics/Laboratory Corporation of America, LabCorp); PubMed 11102979 (cited by 3 submitters); PubMed 12408072 (cited by 3 submitters); PubMed 25388846 (cited by Athena Diagnostics and Laboratory for Molecular Medicine, Mass General Brigham Personalized Medicine); PubMed 25262649 (cited by Athena Diagnostics and Laboratory for Molecular Medicine, Mass General Brigham Personalized Medicine); PubMed 21738759 (cited by Athena Diagnostics and Laboratory for Molecular Medicine, Mass General Brigham Personalized Medicine); PubMed 29773520 (cited by Athena Diagnostics); PubMed 29311818 (cited by Athena Diagnostics); PubMed 25447126 (cited by Athena Diagnostics); PubMed 25365227 (cited by Athena Diagnostics).